The following is an entry in ClinVar:

ClinVar aggregate classification (germline): Likely benign (1 of 4 stars; one submission).

Submission:

GeneDx
Classification: Likely benign. Last evaluated: 2018-09-05. Review status: criteria provided, single submitter. Criteria: GeneDx Variant Classification (06012015). Collection method: clinical testing. Allele origin: germline. Affected: yes.
Comment: This variant is considered likely benign or benign based on one or more of the following criteria: it is a conservative change, it occurs at a poorly conserved position in the protein, it is predicted to be benign by multiple in silico algorithms, and/or has population frequency not consistent with disease.

NM_004086.3(COCH):c.167T>C (p.Leu56Pro)

Genes: COCH (cochlin; plus strand), LOC100506071 (uncharacterized LOC100506071; minus strand). Cytogenetic location: 14q12.
Variant type: single nucleotide variant.
Coding change: c.167T>C on transcript NM_004086.3 (MANE Select); coding-DNA position 167, T replaced by C.
Protein change: p.Leu56Pro; replaces leucine 56 with proline.
Molecular consequence: missense variant.
Genome position (GRCh38, 1-based): chr14:30,877,656, T>C. VCF-style: chr14-30877656-T-C. GRCh37 (hg19) VCF-style: chr14-31346862-T-C.
Other names: c.167T>C, p.Leu56Pro (NM_001135058.2); c.362T>C, p.Leu121Pro (NM_001347720.2); short protein forms L121P, L56P.
Identifiers: ClinVar variation 668387 (VCV000668387.1), dbSNP rs1594371470, ClinGen allele CA389344097.